The following is an entry in ClinVar:

ClinVar aggregate classification (germline): Uncertain significance. Review status: criteria provided, multiple submitters, no conflicts (2 of 4 stars). 7 submissions from 7 submitters: Uncertain significance (7). Last evaluated 2026-03-26.

Conditions:
MYBPC3-related disorder. Also called: MYBPC3-related disorders; MYBPC3-related condition; MYBPC3-related disease.
Cardiomyopathy (CMYO). Also called: Cardiomyopathies. Identifiers: Orphanet 167848, MedGen C0878544, MONDO:0004994, HP:0001638. Inheritance: Various modes of inheritance.
Cardiovascular phenotype. Identifiers: MedGen CN230736.
Hypertrophic cardiomyopathy. Also called: HYPERTROPHIC MYOCARDIOPATHY. Identifiers: Orphanet 217569, MedGen C0007194, MeSH D002312, MONDO:0005045, HP:0001639.

Allele frequency attached by ClinVar (database versions not stated): TOPMed below 0.00001; gnomAD exomes 0.00001; ExAC 0.00003.
gnomAD v4.1: 7 of 1,573,888 alleles (0.00044%); highest among the groups gnomAD compares: Middle Eastern, 0.033%; no homozygotes.

Submissions (7):

PreventionGenetics, part of Exact Sciences
Classification: Uncertain significance for MYBPC3-related condition. Last evaluated: 2026-03-26. Review status: criteria provided, single submitter. Criteria: ACMG Guidelines, 2015. Collection method: clinical testing. Allele origin: germline.
Comment: The MYBPC3 c.1773G>T variant is predicted to result in the amino acid substitution p.Lys591Asn. This variant has been reported as uncertain in an individual with hypertrophic cardiomyopathy (Table S8, McGurk et al. 2023. PubMed ID: 37652022). This variant is reported in 0.0040% of alleles in individuals of South Asian descent in gnomAD and is interpreted as uncertain in ClinVar. At this time, the clinical significance of this variant is uncertain due to the absence of conclusive functional and genetic evidence.

Color Diagnostics, LLC DBA Color Health
Classification: Uncertain significance for Cardiomyopathy. Last evaluated: 2025-11-11. Review status: criteria provided, single submitter. Criteria: ACMG Guidelines, 2015. Collection method: clinical testing. Allele origin: germline.
Comment: This missense variant replaces lysine with asparagine at codon 591 of the MYBPC3 protein. Computational prediction suggests that this variant may not impact protein structure and function. To our knowledge, functional studies have not been reported for this variant. This variant has not been reported in individuals affected with MYBPC3-related disorders in the literature. This variant has been identified in 7/1573888 chromosomes in the general population by the Genome Aggregation Database (gnomAD). The available evidence is insufficient to determine the role of this variant in disease conclusively. Therefore, this variant is classified as a Variant of Uncertain Significance.

Ambry Genetics
Classification: Uncertain significance for Cardiovascular phenotype. Last evaluated: 2025-09-05. Review status: criteria provided, single submitter. Criteria: Ambry Variant Classification Scheme 2023. Collection method: clinical testing. Allele origin: germline.
Comment: The p.K591N variant (also known as c.1773G>T), located in coding exon 18 of the MYBPC3 gene, results from a G to T substitution at nucleotide position 1773. The lysine at codon 591 is replaced by asparagine, an amino acid with similar properties. This variant was reported in individual(s) with features consistent with hypertrophic cardiomyopathy (Alejandra Restrepo-Cordoba M et al. J Cardiovasc Transl Res, 2017 Feb;10:35-46; McGurk KA et al. Am J Hum Genet, 2023 Sep;110:1482-1495; Ambry internal data). This amino acid position is not well conserved in available vertebrate species. In addition, this alteration is predicted to be tolerated by in silico analysis. Based on the available evidence, the clinical significance of this variant remains unclear.

Labcorp Genetics (formerly Invitae), Labcorp
Classification: Uncertain significance for Hypertrophic cardiomyopathy. Last evaluated: 2025-07-15. Review status: criteria provided, single submitter. Criteria: Invitae Variant Classification Sherloc (09022015). Collection method: clinical testing. Allele origin: germline.
Comment: This sequence change replaces lysine, which is basic and polar, with asparagine, which is neutral and polar, at codon 591 of the MYBPC3 protein (p.Lys591Asn). This variant is present in population databases (rs754902004, gnomAD 0.004%). This missense change has been observed in individual(s) with hypertrophic cardiomyopathy (PMID: 37652022). ClinVar contains an entry for this variant (Variation ID: 665200). An algorithm developed to predict the effect of missense changes on protein structure and function (PolyPhen-2) suggests that this variant is likely to be tolerated. In summary, the available evidence is currently insufficient to determine the role of this variant in disease. Therefore, it has been classified as a Variant of Uncertain Significance.

All of Us Research Program, National Institutes of Health
Classification: Uncertain significance for Hypertrophic cardiomyopathy. Last evaluated: 2023-08-23. Review status: criteria provided, single submitter. Criteria: ACMG Guidelines, 2015. Collection method: clinical testing. Allele origin: germline. Inheritance: Autosomal dominant inheritance. Observed: 1 variant allele, 1 heterozygote.
Comment: Variant of Uncertain Significance due to insufficient evidence: This missense variant is located in the Ig-like domain C4 of the MYBPC3 protein. Computational prediction tools and conservation analyses are inconclusive regarding the impact of this variant on the protein function. Computational splicing tools suggest that this variant may not impact RNA splicing. To our knowledge, functional assays have not been performed for this variant nor has this variant been reported in individuals affected with cardiovascular disorders in the literature. This variant has been identified in 2/184960 chromosomes in the general population by the Genome Aggregation Database (gnomAD). Available evidence is insufficient to determine the pathogenicity of this variant conclusively.

This study involves interpretation of variants in research participants for the purpose of population health screening. Participant phenotype was not available at the time of variant classification. Additional details can be found in publication PMID: 35346344, PMCID: PMC8962531

Mayo Clinic Laboratories, Mayo Clinic
Classification: Uncertain significance. Last evaluated: 2021-07-07. Review status: criteria provided, single submitter. Criteria: ACMG Guidelines, 2015. Collection method: clinical testing. Allele origin: germline.

CHEO Genetics Diagnostic Laboratory, Children's Hospital of Eastern Ontario
Classification: Uncertain significance for Cardiomyopathy. Last evaluated: 2019-05-07. Review status: criteria provided, single submitter. Criteria: ACMG Guidelines, 2015. Collection method: clinical testing. Allele origin: germline.

Literature cited by the submitters: PubMed 28138913 (cited by Ambry Genetics); PubMed 37652022 (cited by Ambry Genetics and Labcorp Genetics (formerly Invitae), Labcorp).

NM_000256.3(MYBPC3):c.1773G>T (p.Lys591Asn)

Gene: MYBPC3 (myosin binding protein C3; minus strand). Cytogenetic location: 11p11.2.
Variant type: single nucleotide variant.
Coding change: c.1773G>T on transcript NM_000256.3 (MANE Select); coding-DNA position 1773, G replaced by T.
Protein change: p.Lys591Asn; replaces lysine 591 with asparagine.
Molecular consequence: missense variant.
Genome position (GRCh38, 1-based): chr11:47,342,008, C>A on the plus strand (G>T on the coding strand, the complement: MYBPC3 is on the minus strand). VCF-style: chr11-47342008-C-A. GRCh37 (hg19) VCF-style: chr11-47363559-C-A.
Other names: p.Lys591Asn; c.1773G>T, p.Lys591Asn (LRG_386t1); short protein forms K591N.
Identifiers: ClinVar variation 665200 (VCV000665200.20), dbSNP rs754902004, ClinGen allele CA078282.